The following is an entry in ClinVar:

NM_001079843.3(CASZ1):c.230C>T (p.Pro77Leu)

Gene: CASZ1 (castor zinc finger 1; minus strand). Cytogenetic location: 1p36.22.
Variant type: single nucleotide variant.
Coding change: c.230C>T on transcript NM_001079843.3 (MANE Select); coding-DNA position 230, C replaced by T.
Protein change: p.Pro77Leu; replaces proline 77 with leucine.
Molecular consequence: missense variant.
Genome position (GRCh38, 1-based): chr1:10,665,358, G>A on the plus strand (C>T on the coding strand, the complement: CASZ1 is on the minus strand). VCF-style: chr1-10665358-G-A. GRCh37 (hg19) VCF-style: chr1-10725415-G-A.
Other names: c.230C>T, p.Pro77Leu (NM_017766.5); short protein forms P77L.
Identifiers: ClinVar variation 3137716 (VCV003137716.2), dbSNP rs758094900, ClinGen allele CA585503.

ClinVar aggregate classification (germline): Uncertain significance. Review status: criteria provided, multiple submitters, no conflicts (2 of 4 stars). 2 submissions from 2 submitters: Uncertain significance (2). Last evaluated 2025-12-22.

Allele frequency attached by ClinVar (database versions not stated): gnomAD exomes below 0.00001; ExAC 0.00002; gnomAD 0.00003; TOPMed 0.00012.
gnomAD v4.1: 17 of 1,611,478 alleles (0.0011%); highest among the groups gnomAD compares: Middle Eastern, 0.016%; no homozygotes.

Submissions (2):

Labcorp Genetics (formerly Invitae), Labcorp
Classification: Uncertain significance. Last evaluated: 2025-12-22. Review status: criteria provided, single submitter. Criteria: Invitae Variant Classification Sherloc (09022015). Collection method: clinical testing. Allele origin: germline.
Comment: This sequence change replaces proline, which is neutral and non-polar, with leucine, which is neutral and non-polar, at codon 77 of the CASZ1 protein (p.Pro77Leu). This variant is present in population databases (rs758094900, gnomAD 0.002%). This variant has not been reported in the literature in individuals affected with CASZ1-related conditions. ClinVar contains an entry for this variant (Variation ID: 3137716). An algorithm developed to predict the effect of missense changes on protein structure and function (PolyPhen-2) suggests that this variant is likely to be tolerated. In summary, the available evidence is currently insufficient to determine the role of this variant in disease. Therefore, it has been classified as a Variant of Uncertain Significance.

Ambry Genetics
Classification: Uncertain significance. Last evaluated: 2023-10-31. Review status: criteria provided, single submitter. Criteria: Ambry Variant Classification Scheme 2023. Collection method: clinical testing. Allele origin: germline.